The following is an entry in ClinVar:

NM_000135.4(FANCA):c.3978G>T (p.Gln1326His)

Genes: FANCA (FA complementation group A; minus strand), ZNF276 (zinc finger protein 276; plus strand). Cytogenetic location: 16q24.3.
Variant type: single nucleotide variant.
Coding change: c.3978G>T on transcript NM_000135.4 (MANE Select); coding-DNA position 3978, G replaced by T.
Protein change: p.Gln1326His; replaces glutamine 1326 with histidine.
Molecular consequence: missense variant. On other transcripts: 3 prime UTR variant (2), non-coding transcript variant (4).
Genome position (GRCh38, 1-based): chr16:89,739,510, C>A on the plus strand (G>T on the coding strand, the complement: FANCA is on the minus strand). VCF-style: chr16-89739510-C-A. GRCh37 (hg19) VCF-style: chr16-89805918-C-A.
Other names: c.3978G>T, p.Gln1326His (NM_001286167.3); c.*1264C>A (NM_001113525.2, NM_152287.4); short protein forms Q1326H.
Identifiers: ClinVar variation 4022218 (VCV004022218.1).

ClinVar aggregate classification (germline): Uncertain significance (1 of 4 stars; one submission).

Conditions:
Inborn genetic diseases. Identifiers: MedGen C0950123, MeSH D030342.

Submission:

Ambry Genetics
Classification: Uncertain significance for Inborn genetic diseases. Last evaluated: 2025-04-24. Review status: criteria provided, single submitter. Criteria: Ambry Variant Classification Scheme 2023. Collection method: clinical testing. Allele origin: germline.
Comment: The p.Q1326H variant (also known as c.3978G>T), located in coding exon 40 of the FANCA gene, results from a G to T substitution at nucleotide position 3978. The glutamine at codon 1326 is replaced by histidine, an amino acid with highly similar properties. This amino acid position is conserved. In addition, this alteration is predicted to be tolerated by in silico analysis. Based on the available evidence, the clinical significance of this variant remains unclear.